The following is an entry in ClinVar:

NM_001365276.2(TNXB):c.8995del (p.Arg2999fs)

Gene: TNXB (tenascin XB; minus strand). Cytogenetic location: 6p21.33.
Variant type: Deletion.
Coding change: c.8995del on transcript NM_001365276.2 (MANE Select); coding-DNA position 8995, one base deleted (A; older notation c.8995delA).
Protein change: p.Arg2999fs; shifts the reading frame from arginine 2999.
Molecular consequence: frameshift variant.
Genome position (GRCh38, 1-based): chr6:32,052,790, T deleted on the plus strand (A on the coding strand, the reverse complement: TNXB is on the minus strand). VCF-style (leftmost placement, unchanged base first): chr6-32052789-CT-C. GRCh37 (hg19) VCF-style: chr6-32020566-CT-C.
Other names: c.8989del, p.Arg2997fs (NM_019105.8); c.8989del (NM_019105.6); short protein forms R2997fs, R2999fs.
Identifiers: ClinVar variation 2632069 (VCV002632069.3), dbSNP rs750030373, ClinGen allele CA3733684.

ClinVar aggregate classification (germline): Pathogenic/Likely pathogenic. Review status: criteria provided, multiple submitters, no conflicts (2 of 4 stars). 3 submissions from 3 submitters: Pathogenic (1); Likely pathogenic (2). Last evaluated 2026-02-13.

Conditions:
TNXB-related disorder. Also called: TNXB-related condition.
Ehlers-Danlos syndrome due to tenascin-X deficiency (EDSCLL1). Also called: EDS DUE TO TNX DEFICIENCY; EHLERS-DANLOS SYNDROME, CLASSIC-LIKE; Ehlers-Danlos syndrome, classic-like, 1; TNXB-Related Classical-Like Ehlers-Danlos Syndrome; TNX DEFICIENCY. Identifiers: Orphanet 230839, MedGen C1848029, MONDO:0011670, OMIM 606408.

Allele frequency attached by ClinVar (database versions not stated): gnomAD exomes 0.00001; ExAC 0.00002.

Submissions (3):

OLLIN Analises Genomicas, OLLIN
Classification: Likely pathogenic for Ehlers-Danlos syndrome due to tenascin-X deficiency. Last evaluated: 2026-02-13. Review status: criteria provided, single submitter. Criteria: ACMG Guidelines 2015 PMID 25741868. Collection method: clinical testing. Allele origin: germline. Observed: 1 variant allele.
Comment: PVS1, PM2_P

GeneDx
Classification: Likely pathogenic. Last evaluated: 2025-03-30. Review status: criteria provided, single submitter. Criteria: GeneDx Variant Classification Process June 2021. Collection method: clinical testing. Allele origin: germline. Affected: yes.
Comment: Frameshift variant predicted to result in protein truncation or nonsense mediated decay in a gene for which loss of function is a known mechanism of disease; Not observed at significant frequency in large population cohorts (gnomAD); Has not been previously published as pathogenic or benign to our knowledge

PreventionGenetics, part of Exact Sciences
Classification: Pathogenic for TNXB-related condition. Last evaluated: 2023-05-15. Review status: criteria provided, single submitter. Criteria: ACMG Guidelines, 2015. Collection method: clinical testing. Allele origin: germline.
Comment: The TNXB c.8989delA variant is predicted to result in a frameshift and premature protein termination (p.Arg2997Glyfs*39). To our knowledge, this variant has not been reported in the literature. This variant is reported in 0.0029% of alleles in individuals of Latino descent in gnomAD. Frameshift variants in TNXB are expected to be pathogenic. This variant is interpreted as pathogenic.